The following is an entry in ClinVar:

NM_001017420.3(ESCO2):c.1497+6G>T

Gene: ESCO2 (establishment of sister chromatid cohesion N-acetyltransferase 2; plus strand). Cytogenetic location: 8p21.1.
Variant type: single nucleotide variant.
Coding change: c.1497+6G>T on transcript NM_001017420.3 (MANE Select); 6 bases into the intron after coding-DNA position 1497, G replaced by T.
Molecular consequence: intron variant.
Genome position (GRCh38, 1-based): chr8:27,792,817, G>T. VCF-style: chr8-27792817-G-T. GRCh37 (hg19) VCF-style: chr8-27650334-G-T.
Other names: c.1497+6G>T (NM_001017420.2).
Identifiers: ClinVar variation 2182114 (VCV002182114.5), dbSNP rs1372430419, ClinGen allele CA580677286.

ClinVar aggregate classification (germline): Uncertain significance. Review status: criteria provided, single submitter (1 of 4 stars). 2 submissions from 2 submitters: Uncertain significance (1). 1 of the submissions does not count toward it. Last evaluated 2021-12-26.

Conditions:
Roberts-SC phocomelia syndrome (RBS). Also called: LONG BONE DEFICIENCIES ASSOCIATED WITH CLEFT LIP-PALATE; ESCO2 Spectrum Disorder; Hypomelia hypotrichosis facial hemangioma syndrome; Pseudothalidomide syndrome; Appelt-Gerken-Lenz syndrome. Identifiers: Orphanet 3103, MedGen C0392475, MONDO:0100253, OMIM 268300.

Allele frequency attached by ClinVar (database versions not stated): TOPMed below 0.00001; gnomAD exomes 0.00001.
gnomAD v4.1: 5 of 1,568,632 alleles (0.00032%); highest among the groups gnomAD compares: Non-Finnish European, 0.00043%; no homozygotes.

Submissions (2):

Labcorp Genetics (formerly Invitae), Labcorp
Classification: Uncertain significance. Last evaluated: 2021-12-26. Review status: criteria provided, single submitter. Criteria: Invitae Variant Classification Sherloc (09022015). Collection method: clinical testing. Allele origin: germline.
Comment: In summary, the available evidence is currently insufficient to determine the role of this variant in disease. Therefore, it has been classified as a Variant of Uncertain Significance. Variants that disrupt the consensus splice site are a relatively common cause of aberrant splicing (PMID: 17576681, 9536098). Algorithms developed to predict the effect of sequence changes on RNA splicing suggest that this variant is not likely to affect RNA splicing. This variant has not been reported in the literature in individuals affected with ESCO2-related conditions. This variant is present in population databases (no rsID available, gnomAD 0.001%). This sequence change falls in intron 9 of the ESCO2 gene. It does not directly change the encoded amino acid sequence of the ESCO2 protein. It affects a nucleotide within the consensus splice site.

Natera, Inc.
Classification: Uncertain significance for Roberts syndrome. Last evaluated: 2025-04-10. Review status: no assertion criteria provided. Collection method: clinical testing. Allele origin: germline. Not counted in ClinVar's aggregate classification.

Literature cited by the submitters: PubMed 17576681 (cited by Labcorp Genetics (formerly Invitae), Labcorp); PubMed 9536098 (cited by Labcorp Genetics (formerly Invitae), Labcorp).